The following is an entry in ClinVar:

NM_000179.3(MSH6):c.3573del (p.Phe1191fs)

Gene: MSH6 (mutS homolog 6; plus strand). Cytogenetic location: 2p16.3.
Variant type: Deletion.
Coding change: c.3573del on transcript NM_000179.3 (MANE Select); coding-DNA position 3573, one base deleted (T; older notation c.3573delT).
Protein change: p.Phe1191fs; shifts the reading frame from phenylalanine 1191.
Molecular consequence: frameshift variant. On other transcripts: non-coding transcript variant (5).
Genome position (GRCh38, 1-based): chr2:47,805,634, T deleted; the last of 6 consecutive T bases (chr2:47,805,629-47,805,634); deleting any one gives the same sequence. VCF-style (leftmost placement, unchanged base first): chr2-47805628-AT-A. GRCh37 (hg19) VCF-style: chr2-48032767-AT-A.
Other names: c.3183del, p.Phe1061fs (NM_001281492.2); c.2667del, p.Phe889fs (NM_001281493.2, NM_001281494.2, NM_001406811.1 and 6 more transcripts); c.3669del, p.Phe1223fs (NM_001406795.1, NM_001406802.1); c.3573del, p.Phe1191fs (NM_001406796.1, NM_001406800.1, NM_001406808.1 and 1 more transcripts); c.3276del, p.Phe1092fs (NM_001406797.1, NM_001406801.1, NM_001406805.1 and 10 more transcripts); c.3399del, p.Phe1133fs (NM_001406798.1); c.3048del, p.Phe1016fs (NM_001406799.1, NM_001406806.1, NM_001406807.1); c.2709del, p.Phe903fs (NM_001406803.1); and 7 more; short protein forms F1016fs, F1061fs, F1092fs, F1133fs, F1135fs, F1165fs, F118fs, F1191fs.
Identifiers: ClinVar variation 2673631 (VCV002673631.1), dbSNP rs1057517764, ClinGen allele CA2658966797.

ClinVar aggregate classification (germline): Pathogenic (1 of 4 stars; one submission).

Conditions:
Lynch syndrome 5 (LYNCH5). Also called: Colorectal cancer, hereditary nonpolyposis, type 5; Hereditary non-polyposis colorectal cancer, type 5. Identifiers: Orphanet 144, MedGen C1833477, MONDO:0013710, OMIM 614350. Disease mechanism: loss of function.

Submission:

Myriad Genetics, Inc.
Classification: Pathogenic for Lynch syndrome 5. Last evaluated: 2023-08-24. Review status: criteria provided, single submitter. Criteria: Myriad Autosomal Dominant, Autosomal Recessive and X-Linked Classification Criteria (2023). Collection method: clinical testing. Allele origin: unknown.
Comment: This variant is considered pathogenic. This variant creates a frameshift predicted to result in premature protein truncation.